The following is an entry in ClinVar:

NM_000064.4(C3):c.2441G>C (p.Gly814Ala)

Gene: C3 (complement C3; minus strand). Cytogenetic location: 19p13.3.
Variant type: single nucleotide variant.
Coding change: c.2441G>C on transcript NM_000064.4 (MANE Select); coding-DNA position 2441, G replaced by C.
Protein change: p.Gly814Ala; replaces glycine 814 with alanine.
Molecular consequence: missense variant.
Genome position (GRCh38, 1-based): chr19:6,697,794, C>G on the plus strand (G>C on the coding strand, the complement: C3 is on the minus strand). VCF-style: chr19-6697794-C-G. GRCh37 (hg19) VCF-style: chr19-6697805-C-G.
Other names: short protein forms G814A.
Identifiers: ClinVar variation 3659680 (VCV003659680.2).

ClinVar aggregate classification (germline): Uncertain significance (1 of 4 stars; one submission).

Submission:

Labcorp Genetics (formerly Invitae), Labcorp
Classification: Uncertain significance. Last evaluated: 2024-08-21. Review status: criteria provided, single submitter. Criteria: Invitae Variant Classification Sherloc (09022015). Collection method: clinical testing. Allele origin: germline.
Comment: This sequence change replaces glycine, which is neutral and non-polar, with alanine, which is neutral and non-polar, at codon 814 of the C3 protein (p.Gly814Ala). This variant is not present in population databases (gnomAD no frequency). This variant has not been reported in the literature in individuals affected with C3-related conditions. An algorithm developed to predict the effect of missense changes on protein structure and function (PolyPhen-2) suggests that this variant is likely to be disruptive. In summary, the available evidence is currently insufficient to determine the role of this variant in disease. Therefore, it has been classified as a Variant of Uncertain Significance.